The following is an entry in ClinVar:

ClinVar aggregate classification (germline): Uncertain significance. Review status: criteria provided, multiple submitters, no conflicts (2 of 4 stars). 2 submissions from 2 submitters: Uncertain significance (2). Last evaluated 2024-12-25.

Conditions:
Familial cold autoinflammatory syndrome 2 (FCAS2). Identifiers: Orphanet 247868, MedGen C2673198, MONDO:0012724, OMIM 611762.

Submissions (2):

Labcorp Genetics (formerly Invitae), Labcorp
Classification: Uncertain significance for Familial cold autoinflammatory syndrome 2. Last evaluated: 2024-12-25. Review status: criteria provided, single submitter. Criteria: Invitae Variant Classification Sherloc (09022015). Collection method: clinical testing. Allele origin: germline.
Comment: This sequence change creates a premature translational stop signal (p.Lys588Argfs*43) in the NLRP12 gene. It is expected to result in an absent or disrupted protein product. However, the current clinical and genetic evidence is not sufficient to establish whether loss-of-function variants in NLRP12 cause disease. This variant is present in population databases (no rsID available, gnomAD 0.002%). This variant has not been reported in the literature in individuals affected with NLRP12-related conditions. In summary, the available evidence is currently insufficient to determine the role of this variant in disease. Therefore, it has been classified as a Variant of Uncertain Significance.

Blueprint Genetics
Classification: Uncertain significance. Last evaluated: 2022-07-13. Review status: criteria provided, single submitter. Criteria: ACMG Guidelines, 2015. Collection method: clinical testing. Allele origin: germline.

NM_144687.4(NLRP12):c.1763del (p.Lys588fs)

Gene: NLRP12 (NLR family pyrin domain containing 12; minus strand). Cytogenetic location: 19q13.42.
Variant type: Deletion.
Coding change: c.1763del on transcript NM_144687.4 (MANE Select); coding-DNA position 1763, one base deleted (A; older notation c.1763delA).
Protein change: p.Lys588fs; shifts the reading frame from lysine 588.
Molecular consequence: frameshift variant.
Genome position (GRCh38, 1-based): chr19:53,809,896, T deleted on the plus strand (A on the coding strand, the reverse complement: NLRP12 is on the minus strand); the first of 2 consecutive T bases (chr19:53,809,896-53,809,897); deleting either gives the same sequence. VCF-style (leftmost placement, unchanged base first): chr19-53809895-CT-C. GRCh37 (hg19) VCF-style: chr19-54313149-CT-C.
Other names: c.1763del, p.Lys588fs (NM_001277126.2, NM_001277129.1); short protein forms K588fs.
Identifiers: ClinVar variation 3700711 (VCV003700711.3).
Genomic context (GRCh38, chr19:53,809,895, plus strand): 5'-CTGCTGCAGGGTGGAGCCGTCGCTCTGAGCTTTGCTTTGGATCCACTGCAACAGGTCCAT[CT>C]TGATGTGCGGCGAGACCTTCCAGCAGAGACTCTTCTCCAGGTGGCTCCTGGTCTCCTCGT-3'